The following is an entry in ClinVar:

ClinVar aggregate classification (germline): Likely benign (1 of 4 stars; one submission).

Submission:

GeneDx
Classification: Likely benign. Last evaluated: 2016-04-26. Review status: criteria provided, single submitter. Criteria: GeneDx Variant Classification (06012015). Collection method: clinical testing. Allele origin: germline. Affected: yes.
Comment: This variant is considered likely benign or benign based on one or more of the following criteria: it is a conservative change, it occurs at a poorly conserved position in the protein, it is predicted to be benign by multiple in silico algorithms, and/or has population frequency not consistent with disease.

NM_153033.5(KCTD7):c.*9G>A

Gene: KCTD7 (potassium channel tetramerization domain containing 7; plus strand). Cytogenetic location: 7q11.21.
Variant type: single nucleotide variant.
Coding change: c.*9G>A on transcript NM_153033.5 (MANE Select); 9 bases downstream of the stop codon, G replaced by A.
Molecular consequence: 3 prime UTR variant. On other transcripts: intron variant (1).
Genome position (GRCh38, 1-based): chr7:66,639,241, G>A. VCF-style: chr7-66639241-G-A. GRCh37 (hg19) VCF-style: chr7-66104228-G-A.
Other names: c.866+13G>A (NM_001167961.2).
Identifiers: ClinVar variation 385564 (VCV000385564.1), dbSNP rs116630203, ClinGen allele CA4278341.
Genomic context (GRCh38, chr7:66,639,241, plus strand): 5'-CCACTACTACTGCAAGCGCCCCATCTATGAGTTCAAGATCACATGGTGGTGAGTAGCCCC[G>A]GTAGGCGAGAGTCCCATCAGGGAGGATGTCCACCTTGCTTGGTGGCTCTGGGAGTAAGAT-3'